The following is an entry in ClinVar:

ClinVar aggregate classification (germline): Uncertain significance (1 of 4 stars; one submission).

Submission:

GeneDx
Classification: Uncertain significance. Last evaluated: 2017-08-17. Review status: criteria provided, single submitter. Criteria: GeneDx Variant Classification (06012015). Collection method: clinical testing. Allele origin: germline. Affected: yes.
Comment: The F390L variant in the NR2F1 gene has not been reported previously as a pathogenic variant, nor as a benign variant, to our knowledge. The F390L variant is not observed in large population cohorts (Lek et al., 2016; 1000 Genomes Consortium et al., 2015; Exome Variant Server). The F390L variant is a conservative amino acid substitution, which is not likely to impact secondary protein structure as these residues share similar properties. This substitution occurs at a position that is conserved across species. In silico analysis predicts this variant is probably damaging to the protein structure/function. We interpret F390L as a variant of uncertain significance.

NM_005654.6(NR2F1):c.1170C>G (p.Phe390Leu)

Gene: NR2F1 (nuclear receptor subfamily 2 group F member 1; plus strand). Cytogenetic location: 5q15.
Variant type: single nucleotide variant.
Coding change: c.1170C>G on transcript NM_005654.6 (MANE Select); coding-DNA position 1170, C replaced by G.
Protein change: p.Phe390Leu; replaces phenylalanine 390 with leucine.
Molecular consequence: missense variant.
Genome position (GRCh38, 1-based): chr5:93,593,740, C>G. VCF-style: chr5-93593740-C-G. GRCh37 (hg19) VCF-style: chr5-92929446-C-G.
Other names: short protein forms F390L.
Identifiers: ClinVar variation 451458 (VCV000451458.2), dbSNP rs1420094450, ClinGen allele CA360527943.